The following is an entry in ClinVar:

NM_000238.4(KCNH2):c.839G>A (p.Arg280His)

Gene: KCNH2 (potassium voltage-gated channel subfamily H member 2; minus strand). Cytogenetic location: 7q36.1.
Variant type: single nucleotide variant.
Coding change: c.839G>A on transcript NM_000238.4 (MANE Select); coding-DNA position 839, G replaced by A.
Protein change: p.Arg280His; replaces arginine 280 with histidine.
Molecular consequence: missense variant. On other transcripts: non-coding transcript variant (1).
Genome position (GRCh38, 1-based): chr7:150,958,136, C>T on the plus strand (G>A on the coding strand, the complement: KCNH2 is on the minus strand). VCF-style: chr7-150958136-C-T. GRCh37 (hg19) VCF-style: chr7-150655224-C-T.
Other names: c.551G>A, p.Arg184His (NM_001406753.1, NM_001406756.1); c.662G>A, p.Arg221His (NM_001406755.1); c.539G>A, p.Arg180His (NM_001406757.1); c.839G>A, p.Arg280His (NM_172056.3); short protein forms R221H, R280H, R180H, R184H.
Identifiers: ClinVar variation 3670042 (VCV003670042.2).

ClinVar aggregate classification (germline): Uncertain significance (1 of 4 stars; one submission).

Conditions:
Long QT syndrome (LQTS). Identifiers: MedGen C0023976, MeSH D008133, MONDO:0002442. Disease mechanism: loss of function. Inheritance: Various modes of inheritance.

Submission:

Labcorp Genetics (formerly Invitae), Labcorp
Classification: Uncertain significance for Long QT syndrome. Last evaluated: 2024-10-29. Review status: criteria provided, single submitter. Criteria: Invitae Variant Classification Sherloc (09022015). Collection method: clinical testing. Allele origin: germline.
Comment: This sequence change replaces arginine, which is basic and polar, with histidine, which is basic and polar, at codon 280 of the KCNH2 protein (p.Arg280His). This variant is not present in population databases (gnomAD no frequency). This variant has not been reported in the literature in individuals affected with KCNH2-related conditions. An algorithm developed to predict the effect of missense changes on protein structure and function (PolyPhen-2) suggests that this variant is likely to be disruptive. In summary, the available evidence is currently insufficient to determine the role of this variant in disease. Therefore, it has been classified as a Variant of Uncertain Significance.